The following is an entry in ClinVar:

NM_016734.3(PAX5):c.1049A>T (p.Gln350Leu)

Gene: PAX5 (paired box 5; minus strand). Cytogenetic location: 9p13.2.
Variant type: single nucleotide variant.
Coding change: c.1049A>T on transcript NM_016734.3 (MANE Select); coding-DNA position 1049, A replaced by T.
Protein change: p.Gln350Leu; replaces glutamine 350 with leucine.
Molecular consequence: missense variant. On other transcripts: non-coding transcript variant (2), intron variant (5).
Genome position (GRCh38, 1-based): chr9:36,846,893, T>A on the plus strand (A>T on the coding strand, the complement: PAX5 is on the minus strand). VCF-style: chr9-36846893-T-A. GRCh37 (hg19) VCF-style: chr9-36846890-T-A.
Other names: c.947A>T, p.Gln316Leu (NM_001280547.2); c.817A>T, p.Ser273Cys (NM_001280549.2); c.920A>T, p.Gln307Leu (NM_001280554.2); c.749A>T, p.Gln250Leu (NM_001280555.2); c.725A>T, p.Gln242Leu (NM_001280556.2); c.587-6257A>T (NM_001280551.2); c.884-6257A>T (NM_001280553.2); c.781-6257A>T (NM_001280550.2); and 2 more; short protein forms Q250L, Q307L, Q242L, Q350L, Q316L, S273C.
Identifiers: ClinVar variation 4131445 (VCV004131445.1).
Genomic context (GRCh38, chr9:36,846,893, plus strand): 5'-CAGTACTCACCAAGCAGCCCCGGGTTGGGGAACCTCCAGGAGTCGTTGTACGAGGAATAC[T>A]GAGGGTGGCTGTAGGGACTCCCGGAAAACTCACTCCCTGTGTATGGTGGGTGGAGAGAGA-3'
Protein context (NP_057953.1, residues 340-360): EFSGSPYSHP[Gln350Leu]YSSYNDSWRF

ClinVar aggregate classification (germline): Uncertain significance (1 of 4 stars; one submission).

Conditions:
Inborn genetic diseases. Identifiers: MedGen C0950123, MeSH D030342.

gnomAD v4.1: 1 of 1,614,126 alleles (0.000062%); highest among the groups gnomAD compares: South Asian, 0.0011%; no homozygotes.

Submission:

Ambry Genetics
Classification: Uncertain significance for Inborn genetic diseases. Last evaluated: 2025-09-12. Review status: criteria provided, single submitter. Criteria: Ambry Variant Classification Scheme 2023. Collection method: clinical testing. Allele origin: germline.
Comment: The p.Q350L variant (also known as c.1049A>T), located in coding exon 9 of the PAX5 gene, results from an A to T substitution at nucleotide position 1049. The glutamine at codon 350 is replaced by leucine, an amino acid with dissimilar properties. This amino acid position is conserved. In addition, the in silico prediction for this alteration is inconclusive. Based on the available evidence, the clinical significance of this variant remains unclear.